The following is an entry in ClinVar:

ClinVar aggregate classification (germline): Uncertain significance (1 of 4 stars; one submission).

Conditions:
Severe combined immunodeficiency due to DNA-PKcs deficiency. Also called: IMMUNODEFICIENCY 26 WITH NEUROLOGIC ABNORMALITIES; Immunodeficiency 26 with or without neurologic abnormalities. Identifiers: Orphanet 317425, MedGen C4014833, MONDO:0014423, OMIM 615966.

Allele frequency attached by ClinVar (database versions not stated): gnomAD 0.00004 and 0.00005; TOPMed 0.00004; ExAC 0.00005; gnomAD exomes 0.00007; ESP Exome Variant Server 0.00008.
gnomAD v4.1: 126 of 1,603,174 alleles (0.0079%); highest among the groups gnomAD compares: Non-Finnish European, 0.0095%; no homozygotes.

Submission:

Labcorp Genetics (formerly Invitae), Labcorp
Classification: Uncertain significance for Severe combined immunodeficiency due to DNA-PKcs deficiency. Last evaluated: 2025-01-06. Review status: criteria provided, single submitter. Criteria: Invitae Variant Classification Sherloc (09022015). Collection method: clinical testing. Allele origin: germline.
Comment: This sequence change replaces arginine, which is basic and polar, with histidine, which is basic and polar, at codon 3046 of the PRKDC protein (p.Arg3046His). This variant is present in population databases (rs373925433, gnomAD 0.01%). This variant has not been reported in the literature in individuals affected with PRKDC-related conditions. ClinVar contains an entry for this variant (Variation ID: 835704). Invitae Evidence Modeling of protein sequence and biophysical properties (such as structural, functional, and spatial information, amino acid conservation, physicochemical variation, residue mobility, and thermodynamic stability) indicates that this missense variant is not expected to disrupt PRKDC protein function with a negative predictive value of 80%. In summary, the available evidence is currently insufficient to determine the role of this variant in disease. Therefore, it has been classified as a Variant of Uncertain Significance.

NM_006904.7(PRKDC):c.9137G>A (p.Arg3046His)

Gene: PRKDC (protein kinase, DNA-activated, catalytic subunit; minus strand). Cytogenetic location: 8q11.21.
Variant type: single nucleotide variant.
Coding change: c.9137G>A on transcript NM_006904.7 (MANE Select); coding-DNA position 9137, G replaced by A.
Protein change: p.Arg3046His; replaces arginine 3046 with histidine.
Molecular consequence: missense variant.
Genome position (GRCh38, 1-based): chr8:47,820,918, C>T on the plus strand (G>A on the coding strand, the complement: PRKDC is on the minus strand). VCF-style: chr8-47820918-C-T. GRCh37 (hg19) VCF-style: chr8-48733479-C-T.
Other names: c.9137G>A, p.Arg3046His (NM_001081640.2); short protein forms R3046H.
Identifiers: ClinVar variation 835704 (VCV000835704.4), dbSNP rs373925433, ClinGen allele CA4739658.